The following is an entry in ClinVar:

NM_004655.4(AXIN2):c.1347C>T (p.Thr449=)

Gene: AXIN2 (axin 2; minus strand). Cytogenetic location: 17q24.1.
Variant type: single nucleotide variant.
Coding change: c.1347C>T on transcript NM_004655.4 (MANE Select); coding-DNA position 1347, C replaced by T.
Protein change: p.Thr449=; no amino-acid change (threonine 449 retained).
Molecular consequence: synonymous variant.
Genome position (GRCh38, 1-based): chr17:65,537,689, G>A on the plus strand (C>T on the coding strand, the complement: AXIN2 is on the minus strand). VCF-style: chr17-65537689-G-A. GRCh37 (hg19) VCF-style: chr17-63533807-G-A.
Other names: c.1347C>T (LRG_296t1); c.1347C>T, p.Thr449= (NM_001363813.1).
Identifiers: ClinVar variation 324648 (VCV000324648.18), dbSNP rs762279806, ClinGen allele CA8718677.

ClinVar aggregate classification (germline): Conflicting classifications of pathogenicity. Review status: criteria provided, conflicting classifications (1 of 4 stars). 4 submissions from 4 submitters: Uncertain significance (1); Benign (1); Likely benign (2). Last evaluated 2025-06-20.

Conditions:
Oligodontia-cancer predisposition syndrome. Also called: TOOTH AGENESIS-COLORECTAL CANCER SYNDROME. Identifiers: Orphanet 300576, MedGen C1837750, MONDO:0012075, OMIM 608615. Disease mechanism: loss of function.
Hereditary cancer-predisposing syndrome. Also called: Tumor predisposition; Neoplastic Syndromes, Hereditary; Hereditary neoplastic syndrome; Hereditary Cancer Syndrome. Identifiers: Orphanet 140162, MedGen C0027672, MeSH D009386, MONDO:0015356.

Allele frequency attached by ClinVar (database versions not stated): ExAC below 0.00001.
gnomAD v4.1: 7 of 1,557,104 alleles (0.00045%); highest among the groups gnomAD compares: South Asian, 0.0023%; no homozygotes.

Submissions (4):

Labcorp Genetics (formerly Invitae), Labcorp
Classification: Likely benign for Oligodontia-cancer predisposition syndrome. Last evaluated: 2025-06-20. Review status: criteria provided, single submitter. Criteria: Invitae Variant Classification Sherloc (09022015). Collection method: clinical testing. Allele origin: germline.

Myriad Genetics, Inc.
Classification: Benign for Oligodontia-cancer predisposition syndrome. Last evaluated: 2024-07-02. Review status: criteria provided, single submitter. Criteria: Myriad Autosomal Dominant, Autosomal Recessive and X-Linked Classification Criteria (2023). Collection method: clinical testing. Allele origin: unknown.
Comment: This variant is considered benign. This variant is a silent/synonymous amino acid change and it is not expected to impact splicing.

Ambry Genetics
Classification: Likely benign for Hereditary cancer-predisposing syndrome. Last evaluated: 2021-02-04. Review status: criteria provided, single submitter. Criteria: Ambry Variant Classification Scheme 2023. Collection method: clinical testing. Allele origin: germline.

Illumina Laboratory Services, Illumina
Classification: Uncertain significance for Oligodontia-cancer predisposition syndrome. Last evaluated: 2018-01-13. Review status: criteria provided, single submitter. Criteria: ICSL Variant Classification Criteria 13 December 2019. Collection method: clinical testing. Allele origin: germline.